The following is an entry in ClinVar:

ClinVar aggregate classification (germline): Pathogenic/Likely pathogenic. Review status: criteria provided, multiple submitters, no conflicts (2 of 4 stars). 2 submissions from 2 submitters: Pathogenic (1); Likely pathogenic (1). Last evaluated 2025-10-09.

Conditions:
Lethal congenital contractural syndrome Finnish type.

Allele frequency attached by ClinVar (database versions not stated): gnomAD 0.00001; gnomAD exomes 0.00003; ESP Exome Variant Server 0.00008; TOPMed below 0.00001; ExAC 0.00001.

Submissions (2):

Natera, Inc.
Classification: Likely pathogenic for Lethal congenital contractural syndrome Finnish type. Last evaluated: 2025-10-09. Review status: criteria provided, single submitter. Criteria: Natera Variant Classification Schema (03/2026). Collection method: clinical testing. Allele origin: germline.
Comment: The c.1977dupC variant in GLE1 is a frameshift variant predicted to elongate the protein beyond the termination codon. This variant is expected to result in nonsense mediated decay, truncation, or a dysfunctional protein product. This variant is rare in the general population with a frequency below the threshold expected for the associated phenotype(s). Given the available evidence, this variant is classified as Likely Pathogenic.

Labcorp Genetics (formerly Invitae), Labcorp
Classification: Pathogenic. Last evaluated: 2023-11-17. Review status: criteria provided, single submitter. Criteria: Invitae Variant Classification Sherloc (09022015). Collection method: clinical testing. Allele origin: germline.
Comment: This sequence change results in a frameshift in the GLE1 gene (p.Thr660Hisfs*87). While this is not anticipated to result in nonsense mediated decay, it is expected to disrupt the last 39 amino acid(s) of the GLE1 protein and extend the protein by 47 additional amino acid residues. This variant is present in population databases (rs774933514, gnomAD 0.002%). This variant has not been reported in the literature in individuals affected with GLE1-related conditions. ClinVar contains an entry for this variant (Variation ID: 2202256). This variant disrupts a region of the GLE1 protein in which other variant(s) (p.Ile684Thr) have been determined to be pathogenic (PMID: 18204449, 28657126). This suggests that this is a clinically significant region of the protein, and that variants that disrupt it are likely to be disease-causing. For these reasons, this variant has been classified as Pathogenic.

Literature cited by the submitters: PubMed 18204449 (cited by Labcorp Genetics (formerly Invitae), Labcorp); PubMed 28657126 (cited by Labcorp Genetics (formerly Invitae), Labcorp).

NM_001003722.2(GLE1):c.1977dup (p.Thr660fs)

Genes: GLE1 (GLE1 RNA export mediator; plus strand), LOC101929270 (uncharacterized LOC101929270; minus strand). Cytogenetic location: 9q34.11.
Variant type: Duplication.
Coding change: c.1977dup on transcript NM_001003722.2 (MANE Select); coding-DNA position 1977, one base duplicated (C; older notation c.1977dupC).
Protein change: p.Thr660fs; shifts the reading frame from threonine 660.
Molecular consequence: frameshift variant.
Genome position (GRCh38, 1-based): chr9:128,540,287, C duplicated. VCF-style (leftmost placement, unchanged base first): chr9-128540286-T-TC. GRCh37 (hg19) VCF-style: chr9-131302565-T-TC.
Other names: c.2004dup, p.Thr669Hisfs (NM_001411013.1); c.1977dupC (NM_001003722.1); short protein forms T660fs.
Identifiers: ClinVar variation 2202256 (VCV002202256.5), dbSNP rs774933514, ClinGen allele CA5264026.